The following is an entry in ClinVar:

NM_001394062.1(MACF1):c.2432A>T (p.Asp811Val)

Gene: MACF1 (microtubule actin crosslinking factor 1; plus strand). Cytogenetic location: 1p34.3.
Variant type: single nucleotide variant.
Coding change: c.2432A>T on transcript NM_001394062.1 (MANE Select); coding-DNA position 2432, A replaced by T.
Protein change: p.Asp811Val; replaces aspartic acid 811 with valine.
Molecular consequence: missense variant.
Genome position (GRCh38, 1-based): chr1:39,297,696, A>T. VCF-style: chr1-39297696-A-T. GRCh37 (hg19) VCF-style: chr1-39763368-A-T.
Other names: c.2447A>T, p.Asp816Val (NM_012090.5); short protein forms D811V, D816V.
Identifiers: ClinVar variation 3368062 (VCV003368062.1).

ClinVar aggregate classification (germline): Uncertain significance (1 of 4 stars; one submission).

Submission:

GeneDx
Classification: Uncertain significance. Last evaluated: 2024-01-18. Review status: criteria provided, single submitter. Criteria: GeneDx Variant Classification Process June 2021. Collection method: clinical testing. Allele origin: germline. Affected: yes.
Comment: Not observed at significant frequency in large population cohorts (gnomAD); In silico analysis supports that this missense variant has a deleterious effect on protein structure/function; Has not been previously published as pathogenic or benign to our knowledge